The following is an entry in ClinVar:

NC_000007.13:g.(?_105187351)_(105192160_?)del

Gene: RINT1 (RAD50 interactor 1; plus strand). Cytogenetic location: 7q22.3.
Variant type: Deletion.
Identifiers: ClinVar variation 1000452 (VCV001000452.2).

ClinVar aggregate classification (germline): Pathogenic (1 of 4 stars; one submission).

Submission:

Labcorp Genetics (formerly Invitae), Labcorp
Classification: Pathogenic. Last evaluated: 2022-02-18. Review status: criteria provided, single submitter. Criteria: Invitae Variant Classification Sherloc (09022015). Collection method: clinical testing. Allele origin: germline.
Comment: This variant is a gross deletion of the genomic region encompassing exon(s) 5-10 of the RINT1 gene. This deletion is out-of-frame, and is expected to create a premature termination codon and result in an absent or disrupted protein product. Loss-of-function variants in RINT1 are known to be pathogenic (PMID: 31204009). This variant has not been reported in the literature in individuals affected with RINT1-related conditions. Experimental studies and prediction algorithms are not available or were not evaluated, and the functional significance of this variant is currently unknown. For these reasons, this variant has been classified as Pathogenic.

Literature cited by the submitters: PubMed 31204009.